The following is an entry in ClinVar:

NM_000368.5(TSC1):c.3112AGC[7] (p.Ser1043dup)

Gene: TSC1 (TSC complex subunit 1; minus strand). Cytogenetic location: 9q34.13.
Variant type: Microsatellite.
Coding change: c.3112AGC[7] on transcript NM_000368.5 (MANE Select); seven copies in a row of the 3-base unit AGC starting at c.3112; the reference has six copies in a row; one copy, 3 bases duplicated; also written c.3127_3129dup.
Protein change: p.Ser1043dup; duplicates serine 1043.
Molecular consequence: inframe insertion.
Genome position (GRCh38, 1-based): chr9:132,896,601-132,896,603, GCT duplicated on the plus strand (AGC on the coding strand, the reverse complement: TSC1 is on the minus strand); duplicating any 3 consecutive bases within chr9:132,896,601-132,896,620 gives the same sequence; the position shown is the placement nearest the transcript's 3' end. VCF-style (leftmost placement, unchanged base first): chr9-132896600-C-CGCT. GRCh37 (hg19) VCF-style: chr9-135771987-C-CGCT.
Other names: c.3127_3129dupAGC (NM_000368.4, NM_000368.5); c.2749AGC[7], p.Ser922dup (NM_001362177.2); c.2959AGC[7], p.Ser992dup (NM_001162427.2); c.3109AGC[7], p.Ser1042dup (NM_001162426.2); c.3127_3129dup (NM_000368.5).
Identifiers: ClinVar variation 41697 (VCV000041697.54), dbSNP rs2234980, ClinGen allele CA215768.

ClinVar aggregate classification (germline): Benign/Likely benign. Review status: criteria provided, multiple submitters, no conflicts (2 of 4 stars). 14 submissions from 14 submitters: Benign (8); Likely benign (4). 2 of the submissions do not count toward it. Last evaluated 2026-05-01.

Conditions:
Hereditary cancer-predisposing syndrome. Also called: Tumor predisposition; Neoplastic Syndromes, Hereditary; Hereditary Cancer Syndrome; Hereditary neoplastic syndrome. Identifiers: Orphanet 140162, MedGen C0027672, MeSH D009386, MONDO:0015356.
Tuberous sclerosis syndrome (TSC). Also called: Tuberous Sclerosis Complex; Tuberous sclerosis. Identifiers: Orphanet 805, MedGen C0041341, MONDO:0001734.
Tuberous sclerosis 1 (TSC1). Identifiers: Orphanet 805, MedGen C1854465, MONDO:0008612, OMIM 191100.

Submissions (14):

CeGaT Center for Human Genetics Tuebingen
Classification: Likely benign. Last evaluated: 2026-05-01. Review status: criteria provided, single submitter. Criteria: CeGaT Center For Human Genetics Tuebingen Variant Classification Criteria Version 2. Collection method: clinical testing. Allele origin: germline. Affected: yes. Observed: 25 variant alleles.
Comment: TSC1: BS1

Dasa
Classification: Likely benign. Last evaluated: 2026-03-24. Review status: criteria provided, single submitter. Criteria: DASA Assertion Criteria. Collection method: clinical testing. Allele origin: germline.
Comment: NM_000368.5(TSC1):c.3127_3129dup (p.Ser1043dup) is interpreted based on available population and clinical evidence, including population frequency and no convincing observation in affected individuals. Based on the available data, this variant is classified as likely benign.

Labcorp Genetics (formerly Invitae), Labcorp
Classification: Benign for Tuberous sclerosis 1. Last evaluated: 2026-02-03. Review status: criteria provided, single submitter. Criteria: Invitae Variant Classification Sherloc (09022015). Collection method: clinical testing. Allele origin: germline.

Myriad Genetics, Inc.
Classification: Benign for Tuberous sclerosis 1. Last evaluated: 2025-04-29. Review status: criteria provided, single submitter. Criteria: Myriad Autosomal Dominant, Autosomal Recessive and X-Linked Classification Criteria (2023). Collection method: clinical testing. Allele origin: unknown.
Comment: This variant is considered benign. This variant has been observed at a population frequency that is significantly greater than expected given the associated disease prevalence and penetrance. Homozygosity has been confirmed in one or more individuals. As homozygosity for pathogenic variants in this gene is generally assumed to result in embryonic lethality, this variant is unlikely to be pathogenic.

Blueprint Genetics
Classification: Likely benign. Last evaluated: 2024-11-26. Review status: criteria provided, single submitter. Criteria: ACMG Guidelines, 2015. Collection method: clinical testing. Allele origin: germline.

Quest Diagnostics Nichols Institute San Juan Capistrano
Classification: Benign. Last evaluated: 2023-08-21. Review status: criteria provided, single submitter. Criteria: Quest Diagnostics criteria. Collection method: clinical testing. Allele origin: unknown.

Color Diagnostics, LLC DBA Color Health
Classification: Benign for Tuberous sclerosis syndrome. Last evaluated: 2022-09-30. Review status: criteria provided, single submitter. Criteria: ACMG Guidelines, 2015. Collection method: clinical testing. Allele origin: germline.

Women's Health and Genetics/Laboratory Corporation of America, LabCorp
Classification: Benign. Last evaluated: 2022-01-20. Review status: criteria provided, single submitter. Criteria: LabCorp Variant Classification Summary - May 2015. Collection method: clinical testing. Allele origin: germline.
Comment: Variant summary: TSC1 c.3127_3129dupAGC (p.Ser1043dup) results in an in-frame duplication of one serine residue that expands a repeat consisting of 6 serines to 7. The variant allele was found at a frequency of 0.00064 in 245184 control chromosomes (gnomAD). The observed variant frequency is approximately 25 fold of the estimated maximal expected allele frequency for a pathogenic variant in TSC1 causing Tuberous Sclerosis Complex phenotype (2.5e-05), strongly suggesting that the variant is benign. The variant, c.3127_3129dupAGC, has been reported in the literature in 2 Japanese individuals affected with Tuberous Sclerosis Complex, however, at least one of these individuals was noted to carry a co-occurring nonsense mutation, which could explain the phenotype, in addition the variant was also found in 3/100 healthy Japanese controls (Pipo_2000). To our knowledge, no experimental evidence demonstrating an impact on protein function has been reported. Three clinical diagnostic laboratories have submitted clinical-significance assessments for this variant to ClinVar after 2014 and classified the variant as benign (n=2) and likely benign(n=1). Based on the evidence outlined above, the variant was classified as benign.

Ambry Genetics
Classification: Benign for Hereditary cancer-predisposing syndrome. Last evaluated: 2020-08-07. Review status: criteria provided, single submitter. Criteria: Ambry Variant Classification Scheme 2023. Collection method: clinical testing. Allele origin: germline.

Division of Genomic Medicine, Department of Advanced Medicine, Medical Research Institute, Kanazawa Medical University
Classification: Likely benign for Tuberous sclerosis 1. Last evaluated: 2020-07-10. Review status: criteria provided, single submitter. Criteria: ACMG Guidelines, 2015. Collection method: clinical testing. Allele origin: germline. Affected: yes. Observed: 2 variant alleles.

Sema4
Classification: Benign for Hereditary cancer-predisposing syndrome. Last evaluated: 2020-02-24. Review status: criteria provided, single submitter. Criteria: Sema4 Curation Guidelines. Collection method: curation. Allele origin: germline.

GeneDx
Classification: Benign. Last evaluated: 2015-03-03. Review status: criteria provided, single submitter. Criteria: GeneDx Variant Classification Process June 2021. Collection method: clinical testing. Allele origin: germline. Affected: yes.

Biesecker Lab/Clinical Genomics Section, National Institutes of Health
Classification: Likely benign. Last evaluated: 2012-07-13. Review status: no assertion criteria provided. Collection method: research. Allele origin: germline. Affected: no. Observed: 1 variant allele. Study: ClinSeq. Not counted in ClinVar's aggregate classification.
ClinVar note: Converted during submission from probably not pathogenic to Likely benign.

Tuberous sclerosis database (TSC1)
No classification provided. Condition: TSC. Review status: no classification provided. Criteria: Tuberous Sclerosis Database Assertion Criteria 2015. Collection method: curation. Allele origin: germline. Affected: yes. Not counted in ClinVar's aggregate classification.

Literature cited by the submitters: PubMed 11013456 (cited by Quest Diagnostics Nichols Institute San Juan Capistrano and Women's Health and Genetics/Laboratory Corporation of America, LabCorp).